The following is an entry in ClinVar:

ClinVar aggregate classification (germline): Pathogenic (1 of 4 stars; one submission).

Conditions:
Mucopolysaccharidosis type 1. Also called: IDUA deficiency; MPS I; Mucopolysaccharidosis Type I. Identifiers: Orphanet 579, MedGen C0023786, MONDO:0001586.

Submission:

Myriad Genetics, Inc.
Classification: Pathogenic for Mucopolysaccharidosis type 1. Last evaluated: 2026-07-22. Review status: criteria provided, single submitter. Criteria: Myriad Autosomal Dominant, Autosomal Recessive and X-Linked Classification Criteria (2023). Collection method: clinical testing. Allele origin: unknown.
Comment: NM_000203.3(IDUA):c.1328_1331delGCGA(S443Tfs*13) is expected to be pathogenic in the context of mucopolysaccharidosis type I. This variant is predicted to lead to an abnormal or absent protein product due to the creation of a premature termination codon in IDUA, a gene where loss-of-function variants are known to be pathogenic. Please note: this variant was assessed in the context of healthy population screening.

NM_000203.5(IDUA):c.1328_1331del (p.Ser443fs)

Gene: IDUA (alpha-L-iduronidase; plus strand). Cytogenetic location: 4p16.3.
Variant type: Microsatellite.
Coding change: c.1328_1331del on transcript NM_000203.5 (MANE Select); coding-DNA positions 1328 to 1331, 4 bases deleted (GCGA; older notation c.1328_1331delGCGA).
Protein change: p.Ser443fs; shifts the reading frame from serine 443.
Molecular consequence: frameshift variant. On other transcripts: non-coding transcript variant (1).
Genome position (GRCh38, 1-based): chr4:1,002,870-1,002,873, GCGA deleted; deleting any 4 consecutive bases within chr4:1,002,866-1,002,873 gives the same sequence; the c. name uses the placement nearest the transcript's 3' end. VCF-style (leftmost placement, unchanged base first): chr4-1002865-CGCGA-C. GRCh37 (hg19) VCF-style: chr4-996653-CGCGA-C.
Other names: c.932_935del, p.Ser311fs (NM_001363576.1); short protein forms S311fs, S443fs.
Identifiers: ClinVar variation 5016153 (VCV005016153.1).
Genomic context (GRCh38, chr4:1,002,865, plus strand): 5'-GGCCAGCGCCCACCGCCCCCAGGGCCCGGCCGACGCCTGGCGCGCCGCGGTGCTGATCTA[CGCGA>C]GCGACGACACCCGCGCCCACCCCAACCGCAGCGTCGCGGTGACCCTGCGGCTGCGCGGGG-3'